The following is an entry in ClinVar:

ClinVar aggregate classification (germline): Uncertain significance (1 of 4 stars; one submission).

Conditions:
Hereditary cancer-predisposing syndrome. Also called: Neoplastic Syndromes, Hereditary; Tumor predisposition; Hereditary Cancer Syndrome; Hereditary neoplastic syndrome. Identifiers: Orphanet 140162, MedGen C0027672, MeSH D009386, MONDO:0015356.

Submission:

Ambry Genetics
Classification: Uncertain significance for Hereditary cancer-predisposing syndrome. Last evaluated: 2026-03-31. Review status: criteria provided, single submitter. Criteria: Ambry Variant Classification Scheme 2023. Collection method: clinical testing. Allele origin: germline.
Comment: The p.R1062K variant (also known as c.3185G>A), located in coding exon 22 of the PDGFRA gene, results from a G to A substitution at nucleotide position 3185. The arginine at codon 1062 is replaced by lysine, an amino acid with highly similar properties. This amino acid position is conserved. In addition, the in silico prediction for this alteration is inconclusive. Based on the available evidence, the clinical significance of this variant remains unclear.

NM_006206.6(PDGFRA):c.3185G>A (p.Arg1062Lys)

Gene: PDGFRA (platelet derived growth factor receptor alpha; plus strand). Cytogenetic location: 4q12.
Variant type: single nucleotide variant.
Coding change: c.3185G>A on transcript NM_006206.6 (MANE Select); coding-DNA position 3185, G replaced by A.
Protein change: p.Arg1062Lys; replaces arginine 1062 with lysine.
Molecular consequence: missense variant.
Genome position (GRCh38, 1-based): chr4:54,295,187, G>A. VCF-style: chr4-54295187-G-A. GRCh37 (hg19) VCF-style: chr4-55161354-G-A.
Other names: c.3260G>A, p.Arg1087Lys (NM_001347828.2); c.3185G>A, p.Arg1062Lys (NM_001347829.2); c.3224G>A, p.Arg1075Lys (NM_001347830.2); short protein forms R1062K, R1075K, R1087K.
Identifiers: ClinVar variation 4861712 (VCV004861712.1).